The following is an entry in ClinVar:

NM_000744.7(CHRNA4):c.784G>T (p.Val262Leu)

Gene: CHRNA4 (cholinergic receptor nicotinic alpha 4 subunit; minus strand). Cytogenetic location: 20q13.33.
Variant type: single nucleotide variant.
Coding change: c.784G>T on transcript NM_000744.7 (MANE Select); coding-DNA position 784, G replaced by T.
Protein change: p.Val262Leu; replaces valine 262 with leucine.
Molecular consequence: missense variant. On other transcripts: non-coding transcript variant (1).
Genome position (GRCh38, 1-based): chr20:63,350,627, C>A on the plus strand (G>T on the coding strand, the complement: CHRNA4 is on the minus strand). VCF-style: chr20-63350627-C-A. GRCh37 (hg19) VCF-style: chr20-61981979-C-A.
Other names: c.256G>T, p.Val86Leu (NM_001256573.2); short protein forms V262L, V86L.
Identifiers: ClinVar variation 4803465 (VCV004803465.1).
Genomic context (GRCh38, chr20:63,350,627, plus strand): 5'-GCACGGAGATGCACAGCGTGATCTTCTCGCCACACTCGGAGGGCAGGTAGAAGACCAGCA[C>A]GGTGAGGCAGGAGATGAGCAGGCAGGGGATGATGAGGTTGATGGTGTAGAAGAGCGGCAG-3'
Protein context (NP_000735.1, residues 252-272): IPCLLISCLT[Val262Leu]LVFYLPSECG

ClinVar aggregate classification (germline): Uncertain significance (1 of 4 stars; one submission).

Conditions:
Familial sleep-related hypermotor epilepsy. Also called: Autosomal Dominant Sleep-Related Hypermotor (Hyperkinetic) Epilepsy. Identifiers: Orphanet 98784, MedGen C3696898, MONDO:0000030.

Submission:

Labcorp Genetics (formerly Invitae), Labcorp
Classification: Uncertain significance. Last evaluated: 2025-10-16. Review status: criteria provided, single submitter. Criteria: Invitae Variant Classification Sherloc (09022015). Collection method: clinical testing. Allele origin: germline.
Comment: This sequence change replaces valine, which is neutral and non-polar, with leucine, which is neutral and non-polar, at codon 262 of the CHRNA4 protein (p.Val262Leu). This variant is not present in population databases (gnomAD no frequency). This variant has not been reported in the literature in individuals affected with CHRNA4-related conditions. Invitae Evidence Modeling of protein sequence and biophysical properties (such as structural, functional, and spatial information, amino acid conservation, physicochemical variation, residue mobility, and thermodynamic stability) indicates that this missense variant is not expected to disrupt CHRNA4 protein function with a negative predictive value of 80%. In summary, the available evidence is currently insufficient to determine the role of this variant in disease. Therefore, it has been classified as a Variant of Uncertain Significance.